The following is an entry in ClinVar:

NM_002661.5(PLCG2):c.1671G>A (p.Lys557=)

Gene: PLCG2 (phospholipase C gamma 2; plus strand). Cytogenetic location: 16q23.3.
Variant type: single nucleotide variant.
Coding change: c.1671G>A on transcript NM_002661.5 (MANE Select); coding-DNA position 1671, G replaced by A.
Protein change: p.Lys557=; no amino-acid change (lysine 557 retained).
Molecular consequence: synonymous variant.
Genome position (GRCh38, 1-based): chr16:81,908,529, G>A. VCF-style: chr16-81908529-G-A. GRCh37 (hg19) VCF-style: chr16-81942134-G-A.
Other names: p.Lys557=.
Identifiers: ClinVar variation 540116 (VCV000540116.43), dbSNP rs372347274, ClinGen allele CA8193885.

ClinVar aggregate classification (germline): Benign/Likely benign. Review status: criteria provided, multiple submitters, no conflicts (2 of 4 stars). 10 submissions from 10 submitters: Benign (4); Likely benign (3). 3 of the submissions do not count toward it. Last evaluated 2026-05-01.

Conditions:
Familial cold autoinflammatory syndrome 3 (FCAS3). Also called: FAMILIAL ATYPICAL COLD URTICARIA; ANTIBODY DEFICIENCY AND IMMUNE DYSREGULATION, PLCG2-ASSOCIATED. Identifiers: Orphanet 300359, MedGen C3280914, MONDO:0013766, OMIM 614468.
Autoinflammation-PLCG2-associated antibody deficiency-immune dysregulation. Also called: Autoinflammation, antibody deficiency, and immune dysregulation, plcg2-associated; AUTOINFLAMMATION, ANTIBODY DEFICIENCY, AND IMMUNE DYSREGULATION; Autoinflammation, antibody deficiency, and immune dysregulation syndrome. Identifiers: Orphanet 324530, MedGen C3553961, MONDO:0013944, OMIM 614878.
PLCG2-related disorder. Also called: PLCG2-related condition.

Allele frequency attached by ClinVar (database versions not stated): gnomAD 0.00111; ESP Exome Variant Server 0.00112; gnomAD exomes 0.00113 and 0.00181; TOPMed 0.00115; ExAC 0.00116.
gnomAD v4.1: 2,768 of 1,613,648 alleles (0.17%); highest among the groups gnomAD compares: Non-Finnish European, 0.22%; 7 homozygotes.

Submissions (10):

CeGaT Center for Human Genetics Tuebingen
Classification: Likely benign. Last evaluated: 2026-05-01. Review status: criteria provided, single submitter. Criteria: CeGaT Center For Human Genetics Tuebingen Variant Classification Criteria Version 2. Collection method: clinical testing. Allele origin: germline. Affected: yes. Observed: 3 variant alleles.
Comment: PLCG2: BP4, BP7, BS1

Women's Health and Genetics/Laboratory Corporation of America, LabCorp
Classification: Benign. Last evaluated: 2026-01-23. Review status: criteria provided, single submitter. Criteria: LabCorp Variant Classification Summary - May 2015. Collection method: clinical testing. Allele origin: germline.

Labcorp Genetics (formerly Invitae), Labcorp
Classification: Benign for Familial cold autoinflammatory syndrome 3. Last evaluated: 2026-01-07. Review status: criteria provided, single submitter. Criteria: Invitae Variant Classification Sherloc (09022015). Collection method: clinical testing. Allele origin: germline.

ARUP Laboratories, Molecular Genetics and Genomics, ARUP Laboratories
Classification: Benign. Last evaluated: 2024-11-23. Review status: criteria provided, single submitter. Criteria: ARUP Molecular Germline Variant Investigation Process 2024. Collection method: clinical testing. Allele origin: germline.

Blueprint Genetics
Classification: Likely benign. Last evaluated: 2024-11-14. Review status: criteria provided, single submitter. Criteria: ACMG Guidelines, 2015. Collection method: clinical testing. Allele origin: germline.

Mayo Clinic Laboratories, Mayo Clinic
Classification: Benign. Last evaluated: 2024-11-04. Review status: criteria provided, single submitter. Criteria: ACMG Guidelines, 2015. Collection method: clinical testing. Allele origin: germline. Observed: 3 variant alleles.
Comment: BS1, BS2, BP4, BP7

Fulgent Genetics
Classification: Likely benign for Familial cold autoinflammatory syndrome 3; Autoinflammation-PLCG2-associated antibody deficiency-immune dysregulation. Last evaluated: 2022-04-01. Review status: criteria provided, single submitter. Criteria: ACMG Guidelines, 2015. Collection method: clinical testing. Allele origin: unknown.

PreventionGenetics, part of Exact Sciences
Classification: Likely benign for PLCG2-related condition. Last evaluated: 2019-04-29. Review status: no assertion criteria provided. Collection method: clinical testing. Allele origin: germline. Not counted in ClinVar's aggregate classification.
Comment: This variant is classified as likely benign based on ACMG/AMP sequence variant interpretation guidelines (Richards et al. 2015 PMID: 25741868, with internal and published modifications).

Clinical Genetics DNA and cytogenetics Diagnostics Lab, Erasmus MC, Erasmus Medical Center
Classification: Likely benign. Review status: no assertion criteria provided. Collection method: clinical testing. Allele origin: germline. Affected: yes. Study: VKGL Data-share Consensus. Not counted in ClinVar's aggregate classification.

Genome Diagnostics Laboratory, University Medical Center Utrecht
Classification: Likely benign. Review status: no assertion criteria provided. Collection method: clinical testing. Allele origin: germline. Affected: yes. Study: VKGL Data-share Consensus. Not counted in ClinVar's aggregate classification.